The following is an entry in ClinVar:

NM_001130009.3(GEN1):c.2348T>G (p.Met783Arg)

Gene: GEN1 (GEN1 structure-specific endonuclease; plus strand). Cytogenetic location: 2p24.2.
Variant type: single nucleotide variant.
Coding change: c.2348T>G on transcript NM_001130009.3 (MANE Select); coding-DNA position 2348, T replaced by G.
Protein change: p.Met783Arg; replaces methionine 783 with arginine.
Molecular consequence: missense variant.
Genome position (GRCh38, 1-based): chr2:17,781,560, T>G. VCF-style: chr2-17781560-T-G. GRCh37 (hg19) VCF-style: chr2-17962827-T-G.
Other names: c.2348T>G, p.Met783Arg (NM_182625.5); c.2348T>G (NM_001130009.1); short protein forms M783R.
Identifiers: ClinVar variation 1366611 (VCV001366611.10), dbSNP rs1010441261, ClinGen allele CA43360969.

ClinVar aggregate classification (germline): Uncertain significance. Review status: criteria provided, multiple submitters, no conflicts (2 of 4 stars). 2 submissions from 2 submitters: Uncertain significance (2). Last evaluated 2025-11-03.

Allele frequency attached by ClinVar (database versions not stated): TOPMed 0.00002; gnomAD 0.00003.
gnomAD v4.1: 9 of 1,613,826 alleles (0.00056%); highest among the groups gnomAD compares: African/African-American, 0.0093%; no homozygotes.

Submissions (2):

Ambry Genetics
Classification: Uncertain significance. Last evaluated: 2025-11-03. Review status: criteria provided, single submitter. Criteria: Ambry Variant Classification Scheme 2023. Collection method: clinical testing. Allele origin: germline.

Labcorp Genetics (formerly Invitae), Labcorp
Classification: Uncertain significance. Last evaluated: 2020-11-15. Review status: criteria provided, single submitter. Criteria: Invitae Variant Classification Sherloc (09022015). Collection method: clinical testing. Allele origin: germline.
Comment: This sequence change replaces methionine with arginine at codon 783 of the GEN1 protein (p.Met783Arg). The methionine residue is weakly conserved and there is a moderate physicochemical difference between methionine and arginine. This variant is not present in population databases (ExAC no frequency). This variant has not been reported in the literature in individuals with GEN1-related conditions. Algorithms developed to predict the effect of missense changes on protein structure and function (SIFT, PolyPhen-2, Align-GVGD) all suggest that this variant is likely to be tolerated, but these predictions have not been confirmed by published functional studies and their clinical significance is uncertain. In summary, the available evidence is currently insufficient to determine the role of this variant in disease. Therefore, it has been classified as a Variant of Uncertain Significance.